The following is an entry in ClinVar:

ClinVar aggregate classification (germline): Uncertain significance. Review status: criteria provided, multiple submitters, no conflicts (2 of 4 stars). 2 submissions from 2 submitters: Uncertain significance (2). Last evaluated 2026-04-22.

Conditions:
TMEM67-related disorder. Also called: TMEM67-related condition; TMEM67-related disorders. Identifiers: MedGen CN239423.
Joubert syndrome. Also called: Familial aplasia of the vermis; JOUBERT-BOLTSHAUSER SYNDROME. Identifiers: Orphanet 475, MedGen C5979921, MONDO:0018772.
Meckel-Gruber syndrome. Also called: Dysencephalia splachnocystica; DYSENCEPHALIA SPLANCHNOCYSTICA; GRUBER SYNDROME. Identifiers: Orphanet 564, MedGen C0265215, MONDO:0018921.

Allele frequency attached by ClinVar (database versions not stated): gnomAD exomes below 0.00001; ExAC 0.00003.
gnomAD v4.1: 1 of 1,556,134 alleles (0.000064%); highest among the groups gnomAD compares: Admixed American, 0.0019%; no homozygotes.

Submissions (2):

PreventionGenetics, part of Exact Sciences
Classification: Uncertain significance for TMEM67-related condition. Last evaluated: 2026-04-22. Review status: criteria provided, single submitter. Criteria: ACMG Guidelines, 2015. Collection method: clinical testing. Allele origin: germline.
Comment: The TMEM67 c.2769A>T variant is predicted to result in the amino acid substitution p.Glu923Asp. To our knowledge, this variant has not been reported in the literature. This variant is reported in 0.0036% of alleles in individuals of Latino descent in gnomAD. At this time, the clinical significance of this variant is uncertain due to the absence of conclusive functional and genetic evidence.

Labcorp Genetics (formerly Invitae), Labcorp
Classification: Uncertain significance for Joubert syndrome; Meckel-Gruber syndrome. Last evaluated: 2022-07-30. Review status: criteria provided, single submitter. Criteria: Invitae Variant Classification Sherloc (09022015). Collection method: clinical testing. Allele origin: germline.
Comment: This sequence change replaces glutamic acid, which is acidic and polar, with aspartic acid, which is acidic and polar, at codon 923 of the TMEM67 protein (p.Glu923Asp). This variant is present in population databases (rs760403200, gnomAD 0.004%). This variant has not been reported in the literature in individuals affected with TMEM67-related conditions. Advanced modeling of protein sequence and biophysical properties (such as structural, functional, and spatial information, amino acid conservation, physicochemical variation, residue mobility, and thermodynamic stability) performed at Invitae indicates that this missense variant is not expected to disrupt TMEM67 protein function. Algorithms developed to predict the effect of sequence changes on RNA splicing suggest that this variant may create or strengthen a splice site. In summary, the available evidence is currently insufficient to determine the role of this variant in disease. Therefore, it has been classified as a Variant of Uncertain Significance.

NM_153704.6(TMEM67):c.2769A>T (p.Glu923Asp)

Gene: TMEM67 (transmembrane protein 67; plus strand). Cytogenetic location: 8q22.1.
Variant type: single nucleotide variant.
Coding change: c.2769A>T on transcript NM_153704.6 (MANE Select); coding-DNA position 2769, A replaced by T.
Protein change: p.Glu923Asp; replaces glutamic acid 923 with aspartic acid.
Molecular consequence: missense variant. On other transcripts: non-coding transcript variant (1).
Genome position (GRCh38, 1-based): chr8:93,815,309, A>T. VCF-style: chr8-93815309-A-T. GRCh37 (hg19) VCF-style: chr8-94827537-A-T.
Other names: c.2526A>T, p.Glu842Asp (NM_001142301.1); short protein forms E923D, E842D.
Identifiers: ClinVar variation 2048394 (VCV002048394.2), dbSNP rs760403200, ClinGen allele CA4808397.